The following is an entry in ClinVar:

NM_000891.3(KCNJ2):c.261C>T (p.Ile87=)

Gene: KCNJ2 (potassium inwardly rectifying channel subfamily J member 2; plus strand). Cytogenetic location: 17q24.3.
Variant type: single nucleotide variant.
Coding change: c.261C>T on transcript NM_000891.3 (MANE Select); coding-DNA position 261, C replaced by T.
Protein change: p.Ile87=; no amino-acid change (isoleucine 87 retained).
Molecular consequence: synonymous variant.
Genome position (GRCh38, 1-based): chr17:70,175,300, C>T. VCF-style: chr17-70175300-C-T. GRCh37 (hg19) VCF-style: chr17-68171441-C-T.
Identifiers: ClinVar variation 451647 (VCV000451647.11), dbSNP rs1166497262, ClinGen allele CA501700455.

ClinVar aggregate classification (germline): Conflicting classifications of pathogenicity. Review status: criteria provided, conflicting classifications (1 of 4 stars). 3 submissions from 3 submitters: Uncertain significance (1); Likely benign (2). Last evaluated 2025-10-13.

Conditions:
Cardiovascular phenotype. Identifiers: MedGen CN230736.
Andersen Tawil syndrome (LQT7). Also called: ANDERSEN CARDIODYSRHYTHMIC PERIODIC PARALYSIS; LONG QT SYNDROME 7; Potassium-sensitive periodic paralysis, ventricular ectopy, and dysmorphic features; PERIODIC PARALYSIS, POTASSIUM-SENSITIVE CARDIODYSRHYTHMIC TYPE; Andersen Syndrome. Identifiers: Orphanet 37553, MedGen C1563715, MONDO:0008222, OMIM 170390.
Short QT syndrome type 3. Identifiers: Orphanet 51083, MedGen C1865018, MONDO:0012314, OMIM 609622.

Allele frequency attached by ClinVar (database versions not stated): gnomAD exomes below 0.00001; gnomAD 0.00001; TOPMed 0.00001.
gnomAD v4.1: 9 of 1,614,060 alleles (0.00056%); highest among the groups gnomAD compares: Non-Finnish European, 0.00068%; no homozygotes.

Submissions (3):

Labcorp Genetics (formerly Invitae), Labcorp
Classification: Likely benign for Short QT syndrome type 3; Andersen Tawil syndrome. Last evaluated: 2025-10-13. Review status: criteria provided, single submitter. Criteria: Invitae Variant Classification Sherloc (09022015). Collection method: clinical testing. Allele origin: germline.

Ambry Genetics
Classification: Likely benign for Cardiovascular phenotype. Last evaluated: 2023-03-05. Review status: criteria provided, single submitter. Criteria: Ambry Variant Classification Scheme 2023. Collection method: clinical testing. Allele origin: germline.

GeneDx
Classification: Uncertain significance. Last evaluated: 2017-08-23. Review status: criteria provided, single submitter. Criteria: GeneDx Variant Classification (06012015). Collection method: clinical testing. Allele origin: germline. Affected: yes.
Comment: A variant of uncertain significance has been identified in the KCNJ2 gene. The c.261 C>T variant has not been published as pathogenic or been reported as benign to our knowledge. This variant is also not observed in large population cohorts (Lek et al., 2016; 1000 Genomes Consortium et al., 2015; Exome Variant Server). However, c.261 C>T (I87=) does not alter the predicted amino acid sequence, and in silico splice prediction algorithms predict that this variant does not impact gene splicing. Additionally, no splice site variants in the KCNJ2 gene have been reported in the Human Gene Mutation Database in association with arrhythmia (Stenson et al., 2014). Nevertheless, in the absence of functional mRNA studies, the physiological consequence of this variant cannot be precisely determined. Furthermore, this substitution occurs at a nucleotide within exon 2 that is conserved across species.